The following is an entry in ClinVar:

NM_022072.5(NSUN3):c.588A>C (p.Lys196Asn)

Gene: NSUN3 (NOP2/Sun RNA methyltransferase 3; plus strand). Cytogenetic location: 3q11.2.
Variant type: single nucleotide variant.
Coding change: c.588A>C on transcript NM_022072.5 (MANE Select); coding-DNA position 588, A replaced by C.
Protein change: p.Lys196Asn; replaces lysine 196 with asparagine.
Molecular consequence: missense variant.
Genome position (GRCh38, 1-based): chr3:94,094,261, A>C. VCF-style: chr3-94094261-A-C. GRCh37 (hg19) VCF-style: chr3-93813105-A-C.
Other names: short protein forms K196N.
Identifiers: ClinVar variation 3615795 (VCV003615795.2).

ClinVar aggregate classification (germline): Uncertain significance (1 of 4 stars; one submission).

gnomAD v4.1: 3 of 1,612,900 alleles (0.00019%); highest among the groups gnomAD compares: Non-Finnish European, 0.00025%; no homozygotes.

Submission:

Labcorp Genetics (formerly Invitae), Labcorp
Classification: Uncertain significance. Last evaluated: 2025-02-11. Review status: criteria provided, single submitter. Criteria: Invitae Variant Classification Sherloc (09022015). Collection method: clinical testing. Allele origin: germline.
Comment: This sequence change replaces lysine, which is basic and polar, with asparagine, which is neutral and polar, at codon 196 of the NSUN3 protein (p.Lys196Asn). This variant is present in population databases (rs770879135, gnomAD 0.0009%). This variant has not been reported in the literature in individuals affected with NSUN3-related conditions. An algorithm developed to predict the effect of missense changes on protein structure and function (PolyPhen-2) suggests that this variant is likely to be tolerated. In summary, the available evidence is currently insufficient to determine the role of this variant in disease. Therefore, it has been classified as a Variant of Uncertain Significance.